The following is an entry in ClinVar:

NM_016507.4(CDK12):c.1919A>G (p.Asp640Gly)

Gene: CDK12 (cyclin dependent kinase 12; plus strand). Cytogenetic location: 17q12.
Variant type: single nucleotide variant.
Coding change: c.1919A>G on transcript NM_016507.4 (MANE Select); coding-DNA position 1919, A replaced by G.
Protein change: p.Asp640Gly; replaces aspartic acid 640 with glycine.
Molecular consequence: missense variant.
Genome position (GRCh38, 1-based): chr17:39,471,751, A>G. VCF-style: chr17-39471751-A-G. GRCh37 (hg19) VCF-style: chr17-37628004-A-G.
Other names: c.1919A>G, p.Asp640Gly (NM_015083.4); short protein forms D640G.
Identifiers: ClinVar variation 3830356 (VCV003830356.1).

ClinVar aggregate classification (germline): Uncertain significance (1 of 4 stars; one submission).

Submission:

Ambry Genetics
Classification: Uncertain significance. Last evaluated: 2024-12-15. Review status: criteria provided, single submitter. Criteria: Ambry Variant Classification Scheme 2023. Collection method: clinical testing. Allele origin: germline.
Comment: The p.D640G variant (also known as c.1919A>G), located in coding exon 2 of the CDK12 gene, results from an A to G substitution at nucleotide position 1919. The aspartic acid at codon 640 is replaced by glycine, an amino acid with similar properties. This amino acid position is conserved. In addition, the in silico prediction for this alteration is inconclusive. Based on the available evidence, the clinical significance of this variant remains unclear.